The following is an entry in ClinVar:

NM_000814.6(GABRB3):c.233T>A (p.Val78Asp)

Gene: GABRB3 (gamma-aminobutyric acid type A receptor subunit beta3; minus strand). Cytogenetic location: 15q12.
Variant type: single nucleotide variant.
Coding change: c.233T>A on transcript NM_000814.6 (MANE Select); coding-DNA position 233, T replaced by A.
Protein change: p.Val78Asp; replaces valine 78 with aspartic acid.
Molecular consequence: missense variant. On other transcripts: 5 prime UTR variant (1).
Genome position (GRCh38, 1-based): chr15:26,772,409, A>T on the plus strand (T>A on the coding strand, the complement: GABRB3 is on the minus strand). VCF-style: chr15-26772409-A-T. GRCh37 (hg19) VCF-style: chr15-27017556-A-T.
Other names: c.-119T>A (NM_001278631.2); c.233T>A, p.Val78Asp (NM_021912.5); short protein forms V78D.
Identifiers: ClinVar variation 2945374 (VCV002945374.3), dbSNP rs2504093906, ClinGen allele CA391465173.
Genomic context (GRCh38, chr15:26,772,409, plus strand): 5'-CCCAGACAGCGGGCCGGGGGCTCAGGGACCGCCCTGGGAGGGCGGGCACTCACCATGTTG[A>T]CTTCGGAAACCATGTCGATGCTGGCGATGTCGATGTTCATCCCCACGCAGACCGGGGGAC-3'
Protein context (NP_000805.1, residues 68-88): DIASIDMVSE[Val78Asp]NMDYTLTMYF

ClinVar aggregate classification (germline): Uncertain significance (1 of 4 stars; one submission).

Conditions:
Epilepsy, childhood absence, susceptibility to, 1. Also called: Epilepsy, childhood absence 1. Identifiers: Orphanet 64280, MedGen C1838604, MONDO:0020759, OMIM 600131.
Epilepsy, childhood absence, susceptibility to, 5. Identifiers: Orphanet 64280, MedGen C2677087, MONDO:0012843, OMIM 612269.

Submission:

Labcorp Genetics (formerly Invitae), Labcorp
Classification: Uncertain significance for Epilepsy, childhood absence, susceptibility to, 5; Epilepsy, childhood absence, susceptibility to, 1. Last evaluated: 2024-12-28. Review status: criteria provided, single submitter. Criteria: Invitae Variant Classification Sherloc (09022015). Collection method: clinical testing. Allele origin: germline.
Comment: This sequence change replaces valine, which is neutral and non-polar, with aspartic acid, which is acidic and polar, at codon 78 of the GABRB3 protein (p.Val78Asp). This variant is not present in population databases (gnomAD no frequency). This variant has not been reported in the literature in individuals affected with GABRB3-related conditions. ClinVar contains an entry for this variant (Variation ID: 2945374). Invitae Evidence Modeling of protein sequence and biophysical properties (such as structural, functional, and spatial information, amino acid conservation, physicochemical variation, residue mobility, and thermodynamic stability) has been performed for this missense variant. However, the output from this modeling did not meet the statistical confidence thresholds required to predict the impact of this variant on GABRB3 protein function. This variant disrupts the p.Val78 amino acid residue in GABRB3. Other variant(s) that disrupt this residue have been observed in individuals with GABRB3-related conditions (PMID: 34698933, 34906499), which suggests that this may be a clinically significant amino acid residue. In summary, the available evidence is currently insufficient to determine the role of this variant in disease. Therefore, it has been classified as a Variant of Uncertain Significance.

Literature cited by the submitters: PubMed 34698933; PubMed 34906499.